The following is an entry in ClinVar:

ClinVar aggregate classification (germline): Uncertain significance (1 of 4 stars; one submission).

Conditions:
Hereditary cancer-predisposing syndrome. Also called: Neoplastic Syndromes, Hereditary; Tumor predisposition; Hereditary Cancer Syndrome; Hereditary neoplastic syndrome. Identifiers: Orphanet 140162, MedGen C0027672, MeSH D009386, MONDO:0015356.

Submission:

Labcorp Genetics (formerly Invitae), Labcorp
Classification: Uncertain significance for Hereditary cancer-predisposing syndrome. Last evaluated: 2017-12-18. Review status: criteria provided, single submitter. Criteria: Invitae Variant Classification Sherloc (09022015). Collection method: clinical testing. Allele origin: germline.
Comment: In summary, the available evidence is currently insufficient to determine the role of this variant in disease. Therefore, it has been classified as a Variant of Uncertain Significance. Algorithms developed to predict the effect of missense changes on protein structure and function do not agree on the potential impact of this missense change (SIFT: "Tolerated"; PolyPhen-2: "Probably Damaging"; Align-GVGD: "Class C0"). This variant has not been reported in the literature in individuals with RAD50-related disease. This variant is not present in population databases (ExAC no frequency). This sequence change replaces threonine with proline at codon 1154 of the RAD50 protein (p.Thr1154Pro). The threonine residue is moderately conserved and there is a small physicochemical difference between threonine and proline.

NM_005732.4(RAD50):c.3460A>C (p.Thr1154Pro)

Genes: RAD50 (RAD50 double strand break repair protein; plus strand), TH2LCRR (T helper type 2 locus control region associated RNA; minus strand), TH2-LCR (Th2 cytokine locus control region; plus strand). Cytogenetic location: 5q31.1.
Variant type: single nucleotide variant.
Coding change: c.3460A>C on transcript NM_005732.4 (MANE Select); coding-DNA position 3460, A replaced by C.
Protein change: p.Thr1154Pro; replaces threonine 1154 with proline.
Molecular consequence: missense variant.
Genome position (GRCh38, 1-based): chr5:132,637,185, A>C. VCF-style: chr5-132637185-A-C. GRCh37 (hg19) VCF-style: chr5-131972877-A-C.
Other names: short protein forms T1154P.
Identifiers: ClinVar variation 527376 (VCV000527376.9), dbSNP rs1554100867, ClinGen allele CA360930427.